The following is an entry in ClinVar:

ClinVar aggregate classification (germline): Uncertain significance (1 of 4 stars; one submission).

Conditions:
Intellectual developmental disorder, X-linked 104. Also called: Intellectual disability, X-linked 104. Identifiers: MedGen C4310817, MONDO:0010509, OMIM 300983.

Submission:

Laboratorio de Genetica e Diagnostico Molecular, Hospital Israelita Albert Einstein
Classification: Uncertain significance for Intellectual developmental disorder, X-linked 104. Last evaluated: 2022-09-22. Review status: criteria provided, single submitter. Criteria: ACMG Guidelines, 2015. Collection method: clinical testing. Allele origin: germline. Affected: yes. Observed: 1 variant allele.
Comment: ACMG classification criteria: PM2 moderated, BP4 supporting

NM_001368397.1(FRMPD4):c.3894T>G (p.Ile1298Met)

Gene: FRMPD4 (FERM and PDZ domain containing 4; plus strand). Cytogenetic location: Xp22.2.
Variant type: single nucleotide variant.
Coding change: c.3894T>G on transcript NM_001368397.1 (MANE Select); coding-DNA position 3894, T replaced by G.
Protein change: p.Ile1298Met; replaces isoleucine 1298 with methionine.
Molecular consequence: missense variant.
Genome position (GRCh38, 1-based): chrX:12,718,720, T>G. VCF-style: chrX-12718720-T-G. GRCh37 (hg19) VCF-style: chrX-12736839-T-G.
Other names: c.4005T>G, p.Ile1335Met (NM_001368395.3, NM_001368398.3); c.3900T>G, p.Ile1300Met (NM_001368396.3); c.3885T>G, p.Ile1295Met (NM_001368399.3); c.3774T>G, p.Ile1258Met (NM_001368400.3); c.3870T>G, p.Ile1290Met (NM_001368401.1, NM_001368402.3); c.3894T>G, p.Ile1298Met (NM_014728.3); short protein forms I1258M, I1290M, I1295M, I1298M, I1300M, I1335M.
Identifiers: ClinVar variation 2431537 (VCV002431537.1), dbSNP rs2519871247, ClinGen allele CA412323678.